The following is an entry in ClinVar:

ClinVar aggregate classification (germline): Conflicting classifications of pathogenicity. Review status: criteria provided, conflicting classifications (1 of 4 stars). 2 submissions from 2 submitters: Uncertain significance (1); Likely benign (1). Last evaluated 2023-12-02.

Conditions:
Familial hemophagocytic lymphohistiocytosis 4 (FHL4). Also called: STX11-Related Familial Hemophagocytic Lymphohistiocytosis (STX11-fHLH). Identifiers: Orphanet 540, MedGen C1863728, MONDO:0011336, OMIM 603552.

Allele frequency attached by ClinVar (database versions not stated): gnomAD 0.00001 and 0.00003; TOPMed 0.00002; 1000 Genomes Project 30x 0.00016; 1000 Genomes Project 0.00020.
gnomAD v4.1: 82 of 1,613,982 alleles (0.0051%); highest among the groups gnomAD compares: East Asian, 0.17%; no homozygotes.

Submissions (2):

Labcorp Genetics (formerly Invitae), Labcorp
Classification: Likely benign for Familial hemophagocytic lymphohistiocytosis 4. Last evaluated: 2023-12-02. Review status: criteria provided, single submitter. Criteria: Invitae Variant Classification Sherloc (09022015). Collection method: clinical testing. Allele origin: germline.

Illumina Laboratory Services, Illumina
Classification: Uncertain significance for Familial hemophagocytic lymphohistiocytosis 4. Last evaluated: 2017-04-27. Review status: criteria provided, single submitter. Criteria: ICSL Variant Classification Criteria 13 December 2019. Collection method: clinical testing. Allele origin: germline.
Comment: This variant was observed as part of a predisposition screen in an ostensibly healthy population. A literature search was performed for the gene, cDNA change, and amino acid change (where applicable). Publications were found based on this search. However, the evidence from the literature, in combination with allele frequency data from public databases where available, was not sufficient to rule this variant in or out of causing disease. Therefore, this variant is classified as a variant of unknown significance.

Literature cited by the submitters: PubMed 26176172 (cited by Illumina Laboratory Services, Illumina).

NM_003764.4(STX11):c.570C>T (p.Ser190=)

Gene: STX11 (syntaxin 11; plus strand). Cytogenetic location: 6q24.2.
Variant type: single nucleotide variant.
Coding change: c.570C>T on transcript NM_003764.4 (MANE Select); coding-DNA position 570, C replaced by T.
Protein change: p.Ser190=; no amino-acid change (serine 190 retained).
Molecular consequence: synonymous variant.
Genome position (GRCh38, 1-based): chr6:144,187,197, C>T. VCF-style: chr6-144187197-C-T. GRCh37 (hg19) VCF-style: chr6-144508334-C-T.
Identifiers: ClinVar variation 904511 (VCV000904511.7), dbSNP rs148354227, ClinGen allele CA4031730.
Genomic context (GRCh38, chr6:144,187,197, plus strand): 5'-GGAAGTCTCGGGCGACCAGATCGAGGACATGTTCGAGCAGGGTAAGTGGGACGTGTTTTC[C>T]GAGAACTTGCTGGCCGACGTGAAGGGCGCGCGGGCCGCCCTCAACGAGATCGAGAGCCGC-3'
Protein context (NP_003755.2, residues 180-200): MFEQGKWDVF[Ser190=]ENLLADVKGA